The following is an entry in ClinVar:

ClinVar aggregate classification (germline): Uncertain significance. Review status: criteria provided, multiple submitters, no conflicts (2 of 4 stars). 2 submissions from 2 submitters: Uncertain significance (2). Last evaluated 2023-09-19.

Conditions:
Retinitis pigmentosa 71 (RP71). Identifiers: Orphanet 791, MedGen C4225342, MONDO:0014618, OMIM 616394.
Short-rib thoracic dysplasia 10 with or without polydactyly (SRTD10). Identifiers: Orphanet 474, MedGen C3810175, MONDO:0014284, OMIM 615630.

gnomAD v4.1: 4 of 1,614,058 alleles (0.00025%); highest among the groups gnomAD compares: East Asian, 0.0022%; no homozygotes.

Submissions (2):

Blueprint Genetics
Classification: Uncertain significance. Last evaluated: 2023-09-19. Review status: criteria provided, single submitter. Criteria: ACMG Guidelines, 2015. Collection method: clinical testing. Allele origin: germline.

Labcorp Genetics (formerly Invitae), Labcorp
Classification: Uncertain significance for Retinitis pigmentosa 71; Short-rib thoracic dysplasia 10 with or without polydactyly. Last evaluated: 2022-02-05. Review status: criteria provided, single submitter. Criteria: Invitae Variant Classification Sherloc (09022015). Collection method: clinical testing. Allele origin: germline.
Comment: This variant has not been reported in the literature in individuals affected with IFT172-related conditions. This variant is present in population databases (no rsID available, gnomAD 0.06%). This sequence change replaces alanine, which is neutral and non-polar, with valine, which is neutral and non-polar, at codon 1163 of the IFT172 protein (p.Ala1163Val). Algorithms developed to predict the effect of missense changes on protein structure and function are either unavailable or do not agree on the potential impact of this missense change (SIFT: "Deleterious"; PolyPhen-2: "Benign"; Align-GVGD: "Class C0"). In summary, the available evidence is currently insufficient to determine the role of this variant in disease. Therefore, it has been classified as a Variant of Uncertain Significance.

NM_015662.3(IFT172):c.3488C>T (p.Ala1163Val)

Gene: IFT172 (intraflagellar transport 172; minus strand). Cytogenetic location: 2p23.3.
Variant type: single nucleotide variant.
Coding change: c.3488C>T on transcript NM_015662.3 (MANE Select); coding-DNA position 3488, C replaced by T.
Protein change: p.Ala1163Val; replaces alanine 1163 with valine.
Molecular consequence: missense variant.
Genome position (GRCh38, 1-based): chr2:27,454,396, G>A on the plus strand (C>T on the coding strand, the complement: IFT172 is on the minus strand). VCF-style: chr2-27454396-G-A. GRCh37 (hg19) VCF-style: chr2-27677263-G-A.
Other names: c.3422C>T, p.Ala1141Val (NM_001410739.1); short protein forms A1141V, A1163V.
Identifiers: ClinVar variation 1943193 (VCV001943193.5), dbSNP rs1242470983, ClinGen allele CA346378868.